The following is an entry in ClinVar:

NM_000093.5(COL5A1):c.2187+4A>G

Gene: COL5A1 (collagen type V alpha 1 chain; plus strand). Cytogenetic location: 9q34.3.
Variant type: single nucleotide variant.
Coding change: c.2187+4A>G on transcript NM_000093.5 (MANE Select); 4 bases into the intron after coding-DNA position 2187, A replaced by G.
Molecular consequence: intron variant.
Genome position (GRCh38, 1-based): chr9:134,767,057, A>G. VCF-style: chr9-134767057-A-G. GRCh37 (hg19) VCF-style: chr9-137658903-A-G.
Other names: c.2187+4A>G (NM_001278074.1).
Identifiers: ClinVar variation 655048 (VCV000655048.10), dbSNP rs919497204, ClinGen allele CA201094949.

ClinVar aggregate classification (germline): Uncertain significance (1 of 4 stars; one submission).

Conditions:
Ehlers-Danlos syndrome, classic type, 1 (EDSCL1). Also called: EDS I; EHLERS-DANLOS SYNDROME, GRAVIS TYPE; EHLERS-DANLOS SYNDROME, SEVERE CLASSIC TYPE; Ehlers-Danlos Syndrome, Classic Type, COL5A1-Related; Ehlers-Danlos syndrome, type 1. Identifiers: MedGen C0268335, MONDO:0019567, OMIM 130000.

Allele frequency attached by ClinVar (database versions not stated): TOPMed 0.00001; gnomAD exomes below 0.00001.
gnomAD v4.1: 1 of 1,613,060 alleles (0.000062%); highest among the groups gnomAD compares: Admixed American, 0.0017%; no homozygotes.

Submission:

Labcorp Genetics (formerly Invitae), Labcorp
Classification: Uncertain significance for Ehlers-Danlos syndrome, classic type, 1. Last evaluated: 2023-08-11. Review status: criteria provided, single submitter. Criteria: Invitae Variant Classification Sherloc (09022015). Collection method: clinical testing. Allele origin: germline.
Comment: In summary, the available evidence is currently insufficient to determine the role of this variant in disease. Therefore, it has been classified as a Variant of Uncertain Significance. Variants that disrupt the consensus splice site are a relatively common cause of aberrant splicing (PMID: 17576681, 9536098). Algorithms developed to predict the effect of sequence changes on RNA splicing suggest that this variant is not likely to affect RNA splicing. ClinVar contains an entry for this variant (Variation ID: 655048). This variant has not been reported in the literature in individuals affected with COL5A1-related conditions. This variant is not present in population databases (gnomAD no frequency). This sequence change falls in intron 23 of the COL5A1 gene. It does not directly change the encoded amino acid sequence of the COL5A1 protein. It affects a nucleotide within the consensus splice site.

Literature cited by the submitters: PubMed 17576681; PubMed 9536098.